The following is an entry in ClinVar:

NM_001367868.2(PLIN4):c.2183G>A (p.Gly728Asp)

Gene: PLIN4 (perilipin 4; minus strand). Cytogenetic location: 19p13.3.
Variant type: single nucleotide variant.
Coding change: c.2183G>A on transcript NM_001367868.2 (MANE Select); coding-DNA position 2183, G replaced by A.
Protein change: p.Gly728Asp; replaces glycine 728 with aspartic acid.
Molecular consequence: missense variant.
Genome position (GRCh38, 1-based): chr19:4,511,777, C>T on the plus strand (G>A on the coding strand, the complement: PLIN4 is on the minus strand). VCF-style: chr19-4511777-C-T. GRCh37 (hg19) VCF-style: chr19-4511789-C-T.
Other names: c.2186G>A, p.Gly729Asp (NM_001393888.1, NM_001393889.1); c.2183G>A, p.Gly728Asp (NM_001393890.1, NM_001393891.1); short protein forms G728D, G729D.
Identifiers: ClinVar variation 2649046 (VCV002649046.24), dbSNP rs201336186, ClinGen allele CA9100295.

ClinVar aggregate classification (germline): Likely benign (1 of 4 stars; one submission).

Allele frequency attached by ClinVar (database versions not stated): gnomAD 0.00164; 1000 Genomes Project 0.00419; gnomAD exomes 0.00422; ExAC 0.00978.
gnomAD v4.1: 6,226 of 1,587,768 alleles (0.39%); highest among the groups gnomAD compares: Non-Finnish European, 0.48%; no homozygotes.

Submission:

CeGaT Center for Human Genetics Tuebingen
Classification: Likely benign. Last evaluated: 2026-01-01. Review status: criteria provided, single submitter. Criteria: CeGaT Center For Human Genetics Tuebingen Variant Classification Criteria Version 2. Collection method: clinical testing. Allele origin: germline. Affected: yes. Observed: 4 variant alleles.
Comment: PLIN4: BP4, BS2